The following is an entry in ClinVar:

NM_001384732.1(CPLANE1):c.8187A>G (p.Leu2729=)

Gene: CPLANE1 (ciliogenesis and planar polarity effector complex subunit 1; minus strand). Cytogenetic location: 5p13.2.
Variant type: single nucleotide variant.
Coding change: c.8187A>G on transcript NM_001384732.1 (MANE Select); coding-DNA position 8187, A replaced by G.
Protein change: p.Leu2729=; no amino-acid change (leucine 2729 retained).
Molecular consequence: synonymous variant.
Genome position (GRCh38, 1-based): chr5:37,153,926, T>C on the plus strand (A>G on the coding strand, the complement: CPLANE1 is on the minus strand). VCF-style: chr5-37153926-T-C. GRCh37 (hg19) VCF-style: chr5-37154028-T-C.
Other names: c.8025A>G, p.Leu2675= (NM_023073.4).
Identifiers: ClinVar variation 716734 (VCV000716734.10), dbSNP rs375897633, ClinGen allele CA3237848.

ClinVar aggregate classification (germline): Likely benign. Review status: criteria provided, multiple submitters, no conflicts (2 of 4 stars). 3 submissions from 3 submitters: Likely benign (3). Last evaluated 2026-01-20.

Conditions:
CPLANE1-related disorder. Also called: CPLANE1-related condition.

Allele frequency attached by ClinVar (database versions not stated): ExAC 0.00006; ESP Exome Variant Server 0.00008; gnomAD 0.00015 and 0.00017; TOPMed 0.00015; 1000 Genomes Project 0.00020; 1000 Genomes Project 30x 0.00062; gnomAD exomes 0.00002 and 0.00004.
gnomAD v4.1: 54 of 1,614,164 alleles (0.0033%); highest among the groups gnomAD compares: African/African-American, 0.052%; no homozygotes.

Submissions (3):

PreventionGenetics, part of Exact Sciences
Classification: Likely benign for CPLANE1-related condition. Last evaluated: 2026-01-20. Review status: criteria provided, single submitter. Criteria: ACMG Guidelines, 2015. Collection method: clinical testing. Allele origin: germline.
Comment: This variant is classified as likely benign based on ACMG/AMP sequence variant interpretation guidelines (Richards et al. 2015 PMID: 25741868, with internal and published modifications).

Labcorp Genetics (formerly Invitae), Labcorp
Classification: Likely benign. Last evaluated: 2026-01-14. Review status: criteria provided, single submitter. Criteria: Invitae Variant Classification Sherloc (09022015). Collection method: clinical testing. Allele origin: germline.

Blueprint Genetics
Classification: Likely benign. Last evaluated: 2024-11-07. Review status: criteria provided, single submitter. Criteria: ACMG Guidelines, 2015. Collection method: clinical testing. Allele origin: germline.